The following is an entry in ClinVar:

ClinVar aggregate classification (germline): Pathogenic (3 of 4 stars; one submission).

Conditions:
Breast-ovarian cancer, familial, susceptibility to, 2 (BROVCA2). Also called: BRCA2 Hereditary Breast and Ovarian Cancer. Identifiers: Orphanet 145, MedGen C2675520, MONDO:0012933, OMIM 612555. Disease mechanism: loss of function.

Submission:

Evidence-based Network for the Interpretation of Germline Mutant Alleles (ENIGMA)
Classification: Pathogenic for Breast-ovarian cancer, familial, susceptibility to, 2. Last evaluated: 2016-10-18. Review status: reviewed by expert panel. Criteria: ENIGMA BRCA1/2 Classification Criteria (2015). Collection method: curation. Allele origin: germline.
Comment: Variant allele predicted to encode a truncated non-functional protein.

NM_000059.4(BRCA2):c.4513del (p.Thr1505fs)

Gene: BRCA2 (BRCA2 DNA repair associated; plus strand). Cytogenetic location: 13q13.1.
Variant type: Deletion.
Coding change: c.4513del on transcript NM_000059.4 (MANE Select); coding-DNA position 4513, one base deleted (A; older notation c.4513delA).
Protein change: p.Thr1505fs; shifts the reading frame from threonine 1505.
Molecular consequence: frameshift variant.
Genome position (GRCh38, 1-based): chr13:32,338,868, A deleted. VCF-style (leftmost placement, unchanged base first): chr13-32338867-GA-G. GRCh37 (hg19) VCF-style: chr13-32913004-GA-G.
Other names: 4741delA; short protein forms T1505fs.
Identifiers: ClinVar variation 266818 (VCV000266818.3), dbSNP rs886040536, ClinGen allele CA10589265.
Genomic context (GRCh38, chr13:32,338,867, plus strand): 5'-CATAGTTAAACACAAAATACTGAAAGAAAGTGTCCCAGTTGGTACTGGAAATCAACTAGT[GA>G]CCTTCCAGGGACAACCCGAACGTGATGAAAAGATCAAAGAACCTACTCTATTGGGTTTTC-3'